The following is an entry in ClinVar:

ClinVar aggregate classification (germline): Conflicting classifications of pathogenicity. Review status: criteria provided, conflicting classifications (1 of 4 stars). 4 submissions from 4 submitters: Uncertain significance (3); Likely benign (1). Last evaluated 2025-09-09.

Conditions:
Hereditary cancer-predisposing syndrome. Also called: Neoplastic Syndromes, Hereditary; Hereditary Cancer Syndrome; Tumor predisposition; Hereditary neoplastic syndrome. Identifiers: Orphanet 140162, MedGen C0027672, MeSH D009386, MONDO:0015356.
Familial adenomatous polyposis 2. Also called: MUTYH-associated polyposis; MUTYH Polyposis; FAP type 2; Adenomas, multiple colorectal; COLORECTAL ADENOMATOUS POLYPOSIS, AUTOSOMAL RECESSIVE; ADENOMAS, MULTIPLE COLORECTAL, AUTOSOMAL RECESSIVE. Identifiers: Orphanet 220460, Orphanet 247798, MedGen C3272841, MONDO:0012041, OMIM 608456.

Allele frequency attached by ClinVar (database versions not stated): TOPMed 0.00001.
gnomAD v4.1: 1 of 1,614,200 alleles (0.000062%); highest among the groups gnomAD compares: East Asian, 0.0022%; no homozygotes.

Submissions (4):

Ambry Genetics
Classification: Likely benign for Hereditary cancer-predisposing syndrome. Last evaluated: 2025-09-09. Review status: criteria provided, single submitter. Criteria: Ambry Variant Classification Scheme 2023. Collection method: clinical testing. Allele origin: germline.

Labcorp Genetics (formerly Invitae), Labcorp
Classification: Uncertain significance for Familial adenomatous polyposis 2. Last evaluated: 2024-02-09. Review status: criteria provided, single submitter. Criteria: Invitae Variant Classification Sherloc (09022015). Collection method: clinical testing. Allele origin: germline.
Comment: This sequence change replaces arginine, which is basic and polar, with leucine, which is neutral and non-polar, at codon 437 of the MUTYH protein (p.Arg437Leu). This variant is present in population databases (rs587782120, gnomAD 0.006%). This variant has not been reported in the literature in individuals affected with MUTYH-related conditions. ClinVar contains an entry for this variant (Variation ID: 142471). An algorithm developed to predict the effect of missense changes on protein structure and function (PolyPhen-2) suggests that this variant is likely to be tolerated. In summary, the available evidence is currently insufficient to determine the role of this variant in disease. Therefore, it has been classified as a Variant of Uncertain Significance.

All of Us Research Program, National Institutes of Health
Classification: Uncertain significance for Familial adenomatous polyposis 2. Last evaluated: 2023-04-03. Review status: criteria provided, single submitter. Criteria: ACMG Guidelines, 2015. Collection method: clinical testing. Allele origin: germline. Inheritance: Autosomal recessive inheritance. Observed: 1 variant allele, 1 heterozygote.
Comment: This missense variant replaces arginine with leucine at codon 437 of the MUTYH protein. Computational prediction suggests that this variant may not impact protein structure and function (internally defined REVEL score threshold <= 0.5, PMID: 27666373). To our knowledge, functional studies have not been reported for this variant. This variant has not been reported in individuals affected with MUTYH-related disorders in the literature. This variant has been identified in 2/251368 chromosomes in the general population by the Genome Aggregation Database (gnomAD). The available evidence is insufficient to determine the role of this variant in disease conclusively. Therefore, this variant is classified as a Variant of Uncertain Significance.

This study involves interpretation of variants in research participants for the purpose of population health screening. Participant phenotype was not available at the time of variant classification. Additional details can be found in publication PMID: 35346344, PMCID: PMC8962531

Color Diagnostics, LLC DBA Color Health
Classification: Uncertain significance for Hereditary cancer-predisposing syndrome. Last evaluated: 2023-03-16. Review status: criteria provided, single submitter. Criteria: ACMG Guidelines, 2015. Collection method: clinical testing. Allele origin: germline.
Comment: This missense variant replaces arginine with leucine at codon 437 of the MUTYH protein. Computational prediction suggests that this variant may not impact protein structure and function (internally defined REVEL score threshold <= 0.5, PMID: 27666373). To our knowledge, functional studies have not been reported for this variant. This variant has not been reported in individuals affected with MUTYH-related disorders in the literature. This variant has been identified in 2/251368 chromosomes in the general population by the Genome Aggregation Database (gnomAD). The available evidence is insufficient to determine the role of this variant in disease conclusively. Therefore, this variant is classified as a Variant of Uncertain Significance.

Literature cited by the submitters: PubMed 40738107 (cited by Ambry Genetics).

NM_001048174.2(MUTYH):c.1226G>T (p.Arg409Leu)

Gene: MUTYH (mutY DNA glycosylase; minus strand). Cytogenetic location: 1p34.1.
Variant type: single nucleotide variant.
Coding change: c.1226G>T on transcript NM_001048174.2 (MANE Select); coding-DNA position 1226, G replaced by T.
Protein change: p.Arg409Leu; replaces arginine 409 with leucine.
Molecular consequence: missense variant. On other transcripts: non-coding transcript variant (2).
Genome position (GRCh38, 1-based): chr1:45,331,433, C>A on the plus strand (G>T on the coding strand, the complement: MUTYH is on the minus strand). VCF-style: chr1-45331433-C-A. GRCh37 (hg19) VCF-style: chr1-45797105-C-A.
Other names: c.1226G>T, p.Arg409Leu (NM_001048171.2, NM_001048173.2, NM_001293195.2); c.1229G>T, p.Arg410Leu (NM_001048172.2); c.1310G>T, p.Arg437Leu (NM_001128425.2); c.1271G>T, p.Arg424Leu (NM_001293190.2); c.1259G>T, p.Arg420Leu (NM_001293191.2); c.950G>T, p.Arg317Leu (NM_001293192.2, NM_001293196.2); c.881G>T, p.Arg294Leu (NM_001350650.2, NM_001350651.2); c.1301G>T, p.Arg434Leu (NM_012222.3); short protein forms R437L, R294L, R410L, R420L, R434L, R317L, R424L, R409L.
Identifiers: ClinVar variation 142471 (VCV000142471.18), dbSNP rs587782120, ClinGen allele CA012600.